The following is an entry in ClinVar:

NM_004656.4(BAP1):c.902C>T (p.Ala301Val)

Gene: BAP1 (BRCA1 associated deubiquitinase 1; minus strand). Cytogenetic location: 3p21.1.
Variant type: single nucleotide variant.
Coding change: c.902C>T on transcript NM_004656.4 (MANE Select); coding-DNA position 902, C replaced by T.
Protein change: p.Ala301Val; replaces alanine 301 with valine.
Molecular consequence: missense variant.
Genome position (GRCh38, 1-based): chr3:52,405,794, G>A on the plus strand (C>T on the coding strand, the complement: BAP1 is on the minus strand). VCF-style: chr3-52405794-G-A. GRCh37 (hg19) VCF-style: chr3-52439810-G-A.
Other names: c.848C>T, p.Ala283Val (NM_001410772.1); short protein forms A283V, A301V.
Identifiers: ClinVar variation 3476902 (VCV003476902.1).
Genomic context (GRCh38, chr3:52,405,794, plus strand): 5'-GGTCCACAAGAGGTCCCAAACCCCCCAGTACCTGTGTGGTTGCCCTCAGAGGCTGCAGGG[G>A]CCCTGTTTGCTTCCAGCACCAGCGGGGACTTGTTGCTGGCTGACTTGGACTCCTCAGGCA-3'
Protein context (NP_004647.1, residues 291-311): KSPLVLEANR[Ala301Val]PAASEGNHTD

ClinVar aggregate classification (germline): Uncertain significance (1 of 4 stars; one submission).

Conditions:
Hereditary cancer-predisposing syndrome. Also called: Tumor predisposition; Neoplastic Syndromes, Hereditary; Hereditary neoplastic syndrome; Hereditary Cancer Syndrome. Identifiers: Orphanet 140162, MedGen C0027672, MeSH D009386, MONDO:0015356.

Submission:

Ambry Genetics
Classification: Uncertain significance for Hereditary cancer-predisposing syndrome. Last evaluated: 2024-08-09. Review status: criteria provided, single submitter. Criteria: Ambry Variant Classification Scheme 2023. Collection method: clinical testing. Allele origin: germline.
Comment: The p.A301V variant (also known as c.902C>T), located in coding exon 10 of the BAP1 gene, results from a C to T substitution at nucleotide position 902. The alanine at codon 301 is replaced by valine, an amino acid with similar properties. This amino acid position is conserved. In addition, this alteration is predicted to be tolerated by in silico analysis. Based on the available evidence, the clinical significance of this variant remains unclear.